The following is an entry in ClinVar:

ClinVar aggregate classification (germline): Uncertain significance (1 of 4 stars; one submission).

Conditions:
Diamond-Blackfan anemia. Also called: Blackfan Diamond syndrome; Aregenerative anemia chronic congenital; Red cell aplasia, pure hereditary; Congenital hypoplastic anemia; Aase syndrome. Identifiers: Orphanet 124, MedGen C1260899, MeSH D029503, MONDO:0015253, HP:0004810.
GATA binding protein 1 related thrombocytopenia with dyserythropoiesis. Also called: GATA1-Related Cytopenia; GATA1-Related X-Linked Cytopenia. Identifiers: MedGen C1845837, MONDO:0100089.

Submission:

Labcorp Genetics (formerly Invitae), Labcorp
Classification: Uncertain significance for GATA binding protein 1 related thrombocytopenia with dyserythropoiesis; Diamond-Blackfan anemia. Last evaluated: 2023-05-23. Review status: criteria provided, single submitter. Criteria: Invitae Variant Classification Sherloc (09022015). Collection method: clinical testing. Allele origin: germline.
Comment: This variant has not been reported in the literature in individuals affected with GATA1-related conditions. This variant is not present in population databases (gnomAD no frequency). This sequence change replaces leucine, which is neutral and non-polar, with tryptophan, which is neutral and slightly polar, at codon 41 of the GATA1 protein (p.Leu41Trp). An algorithm developed to predict the effect of missense changes on protein structure and function (PolyPhen-2) suggests that this variant is likely to be disruptive. In summary, the available evidence is currently insufficient to determine the role of this variant in disease. Therefore, it has been classified as a Variant of Uncertain Significance.

NM_002049.4(GATA1):c.122T>G (p.Leu41Trp)

Gene: GATA1 (GATA binding protein 1; plus strand). Cytogenetic location: Xp11.23.
Variant type: single nucleotide variant.
Coding change: c.122T>G on transcript NM_002049.4 (MANE Select); coding-DNA position 122, T replaced by G.
Protein change: p.Leu41Trp; replaces leucine 41 with tryptophan.
Molecular consequence: missense variant.
Genome position (GRCh38, 1-based): chrX:48,791,231, T>G. VCF-style: chrX-48791231-T-G. GRCh37 (hg19) VCF-style: chrX-48649638-T-G.
Other names: short protein forms L41W.
Identifiers: ClinVar variation 2948167 (VCV002948167.3), dbSNP rs2519343728, ClinGen allele CA412866987.
Genomic context (GRCh38, chrX:48,791,231, plus strand): 5'-CTGCTCTGGTGTCCTCCACACCAGAATCAGGGGTTTTCTTCCCCTCTGGGCCTGAGGGCT[T>G]GGATGCAGCAGCTTCCTCCACTGCCCCGAGCACAGCCACCGCTGCAGCTGCGGCACTGGC-3'
Protein context (NP_002040.1, residues 31-51): GVFFPSGPEG[Leu41Trp]DAAASSTAPS